The following is an entry in ClinVar:

NM_000548.5(TSC2):c.2729_2733del (p.Pro910fs)

Gene: TSC2 (TSC complex subunit 2; plus strand). Cytogenetic location: 16p13.3.
Variant type: Deletion.
Coding change: c.2729_2733del on transcript NM_000548.5 (MANE Select); coding-DNA positions 2729 to 2733, 5 bases deleted (CTTTC; older notation c.2729_2733delCTTTC).
Protein change: p.Pro910fs; shifts the reading frame from proline 910.
Molecular consequence: frameshift variant. On other transcripts: non-coding transcript variant (5).
Genome position (GRCh38, 1-based): chr16:2,076,157-2,076,161, CTTTC deleted; deleting any 5 consecutive bases within chr16:2,076,156-2,076,161 gives the same sequence; the c. name uses the placement nearest the transcript's 3' end. VCF-style (leftmost placement, unchanged base first): chr16-2076155-CCCTTT-C. GRCh37 (hg19) VCF-style: chr16-2126156-CCCTTT-C.
Other names: c.2129_2133del, p.Pro710fs (NM_001406688.1, NM_001406682.1, NM_001406683.1 and 6 more transcripts); c.1385_1389del, p.Pro462fs (NM_001406689.1, NM_001406690.1, NM_001406691.1 and 6 more transcripts); c.2729_2733del, p.Pro910fs (NM_001077183.3, NM_001114382.3, NM_001363528.2 and 6 more transcripts); c.2618_2622del, p.Pro873fs (NM_001318827.2, NM_001406670.1, NM_001406678.1); c.2582_2586del, p.Pro861fs (NM_001318829.2, NM_001406675.1, NM_001406676.1 and 1 more transcripts); c.2762_2766del, p.Pro921fs (NM_001318832.2); c.2819_2823del, p.Pro940fs (NM_001406667.1, NM_001406668.1); c.2717_2721del, p.Pro906fs (NM_001406671.1, NM_001406673.1); and 3 more; short protein forms P376fs, P891fs, P910fs, P462fs, P710fs, P873fs, P756fs, P906fs.
Identifiers: ClinVar variation 2697481 (VCV002697481.3), dbSNP rs2543911801, ClinGen allele CA2697549509.
Genomic context (GRCh38, chr16:2,076,155, plus strand): 5'-CCATCACGTCATAGCCATGTGGTTCATCAGGTGCCGCCTGCCCTTCCGGAAGGATTTTGT[CCCTTT>C]CATCACTAAGGTGGGCTCAGGGCCGGTGAAGGCTGTGTCTCTCGGTAGGCCAGGGCTTGC-3'

ClinVar aggregate classification (germline): Pathogenic (1 of 4 stars; one submission).

Conditions:
Tuberous sclerosis 2 (TSC2). Identifiers: Orphanet 805, MedGen C1860707, MONDO:0013199, OMIM 613254.

Submission:

Labcorp Genetics (formerly Invitae), Labcorp
Classification: Pathogenic for Tuberous sclerosis 2. Last evaluated: 2023-10-10. Review status: criteria provided, single submitter. Criteria: Invitae Variant Classification Sherloc (09022015). Collection method: clinical testing. Allele origin: germline.
Comment: This sequence change creates a premature translational stop signal (p.Pro910Hisfs*3) in the TSC2 gene. It is expected to result in an absent or disrupted protein product. Loss-of-function variants in TSC2 are known to be pathogenic (PMID: 10205261, 17304050). This variant is not present in population databases (gnomAD no frequency). This variant has not been reported in the literature in individuals affected with TSC2-related conditions. For these reasons, this variant has been classified as Pathogenic.

Literature cited by the submitters: PubMed 10205261; PubMed 17304050.